The following is an entry in ClinVar:

ClinVar aggregate classification (germline): Uncertain significance. Review status: criteria provided, multiple submitters, no conflicts (2 of 4 stars). 4 submissions from 4 submitters: Uncertain significance (3). 1 of the submissions does not count toward it. Last evaluated 2026-01-25.

Conditions:
Brugada syndrome. Also called: Sudden unexpected nocturnal death syndrome; Sudden unexplained nocturnal death syndrome; Sudden Unexplained Death Syndrome; Sudden Unexplained Nocturnal Death Syndrome (SUNDS). Identifiers: Orphanet 130, MedGen C1142166, MONDO:0015263.
KCNE5-related disorder. Also called: KCNE5-related condition.

Allele frequency attached by ClinVar (database versions not stated): gnomAD exomes below 0.00001; ExAC 0.00018; 1000 Genomes Project 30x 0.00042; TOPMed 0.00001; gnomAD 0.00004.
gnomAD v4.1: 7 of 1,165,231 alleles (0.0006%); highest among the groups gnomAD compares: East Asian, 0.0097%; no homozygotes.

Submissions (4):

Labcorp Genetics (formerly Invitae), Labcorp
Classification: Uncertain significance for Brugada syndrome. Last evaluated: 2026-01-25. Review status: criteria provided, single submitter. Criteria: Invitae Variant Classification Sherloc (09022015). Collection method: clinical testing. Allele origin: germline.
Comment: This sequence change creates a premature translational stop signal (p.Gln120*) in the KCNE5 gene. While this is not anticipated to result in nonsense mediated decay, it is expected to disrupt the last 23 amino acid(s) of the KCNE5 protein. This variant is present in population databases (rs372565167, gnomAD 0.01%). This premature translational stop signal has been observed in individual(s) with KCNE5-related conditions (PMID: 30847666). ClinVar contains an entry for this variant (Variation ID: 2037852). Experimental studies and prediction algorithms are not available or were not evaluated, and the functional significance of this variant is currently unknown. In summary, the available evidence is currently insufficient to determine the role of this variant in disease. Therefore, it has been classified as a Variant of Uncertain Significance.

Genesolutions, Medical Genetics Institutes, Ho Chi Minh City, Vietnam
Classification: Uncertain significance for Brugada syndrome. Last evaluated: 2025-09-24. Review status: criteria provided, single submitter. Criteria: ACMG Guidelines, 2015. Collection method: clinical testing. Allele origin: germline. Affected: yes.

Revvity Omics, Revvity
Classification: Uncertain significance. Last evaluated: 2021-06-11. Review status: criteria provided, single submitter. Criteria: ACMG Guidelines, 2015. Collection method: clinical testing. Allele origin: germline.

PreventionGenetics, part of Exact Sciences
Classification: Uncertain significance for KCNE5-related condition. Last evaluated: 2024-02-21. Review status: no assertion criteria provided. Collection method: clinical testing. Allele origin: germline. Not counted in ClinVar's aggregate classification.
Comment: The KCNE5 c.358C>T variant is predicted to result in premature protein termination (p.Gln120*). This variant was reported in two individuals with cardiac arrhythmia (KCNE5 described as KCNE1L in online supplementary file 2, van Lint et al. 2019. PubMed ID: 30847666). This variant is reported in 0.025% of alleles in individuals of East Asian descent in gnomAD, including one hemizygous individual. At this time, the clinical significance of this variant is uncertain due to the absence of conclusive functional and genetic evidence.

Literature cited by the submitters: PubMed 30847666 (cited by Labcorp Genetics (formerly Invitae), Labcorp).

NM_012282.4(KCNE5):c.358C>T (p.Gln120Ter)

Gene: KCNE5 (potassium voltage-gated channel subfamily E regulatory subunit 5; minus strand). Cytogenetic location: Xq23.
Variant type: single nucleotide variant.
Coding change: c.358C>T on transcript NM_012282.4 (MANE Select); coding-DNA position 358, C replaced by T.
Protein change: p.Gln120Ter; replaces glutamine 120 with a stop codon.
Molecular consequence: nonsense.
Genome position (GRCh38, 1-based): chrX:109,624,663, G>A on the plus strand (C>T on the coding strand, the complement: KCNE5 is on the minus strand). VCF-style: chrX-109624663-G-A. GRCh37 (hg19) VCF-style: chrX-108867892-G-A.
Other names: c.358C>T (NM_012282.3); short protein forms Q120*.
Identifiers: ClinVar variation 2037852 (VCV002037852.8), dbSNP rs372565167, ClinGen allele CA10490842.
Genomic context (GRCh38, chrX:109,624,663, plus strand): 5'-CAGCGCCCTGGGCGAGGGCAGGCAGCCCCTCGGAGGCAAGCTGGCGGCGGCCCTCGGCCT[G>A]GGAGCCCGCGGCAGCCTCGGCGTCGGCGGTCAGGGCGCCTCCCGGGGCCCATTCGTGCTC-3'